The following is an entry in ClinVar:

ClinVar aggregate classification (germline): Uncertain significance (1 of 4 stars; one submission).

Conditions:
Pitt-Hopkins-like syndrome 2 (PTHSL2). Identifiers: Orphanet 221150, Orphanet 600663, MedGen C3280479, MONDO:0013690, OMIM 614325.

Submission:

Labcorp Genetics (formerly Invitae), Labcorp
Classification: Uncertain significance for Pitt-Hopkins-like syndrome 2. Last evaluated: 2022-04-15. Review status: criteria provided, single submitter. Criteria: Invitae Variant Classification Sherloc (09022015). Collection method: clinical testing. Allele origin: germline.
Comment: In summary, the available evidence is currently insufficient to determine the role of this variant in disease. Therefore, it has been classified as a Variant of Uncertain Significance. Algorithms developed to predict the effect of missense changes on protein structure and function are either unavailable or do not agree on the potential impact of this missense change (SIFT: "Deleterious"; PolyPhen-2: "Probably Damaging"; Align-GVGD: "Class C15"). This variant has not been reported in the literature in individuals affected with NRXN1-related conditions. This variant is not present in population databases (gnomAD no frequency). This sequence change replaces asparagine, which is neutral and polar, with histidine, which is basic and polar, at codon 515 of the NRXN1 protein (p.Asn515His).

NM_001330078.2(NRXN1):c.1423A>C (p.Asn475His)

Gene: NRXN1 (neurexin 1; minus strand). Cytogenetic location: 2p16.3.
Variant type: single nucleotide variant.
Coding change: c.1423A>C on transcript NM_001330078.2 (MANE Select); coding-DNA position 1423, A replaced by C.
Protein change: p.Asn475His; replaces asparagine 475 with histidine.
Molecular consequence: missense variant.
Genome position (GRCh38, 1-based): chr2:50,552,923, T>G on the plus strand (A>C on the coding strand, the complement: NRXN1 is on the minus strand). VCF-style: chr2-50552923-T-G. GRCh37 (hg19) VCF-style: chr2-50780061-T-G.
Other names: c.1543A>C, p.Asn515His (NM_001135659.3); c.1399A>C, p.Asn467His (NM_001330077.2, NM_001330082.2, NM_001330095.2); c.1384A>C, p.Asn462His (NM_001330083.2, NM_001330084.2); c.1423A>C, p.Asn475His (NM_001330085.2, NM_001330086.2, NM_004801.6); c.1339A>C, p.Asn447His (NM_001330087.2, NM_001330096.2); c.1369A>C, p.Asn457His (NM_001330088.2); c.1420A>C, p.Asn474His (NM_001330093.2); c.1411A>C, p.Asn471His (NM_001330094.2); short protein forms N457H, N462H, N474H, N515H, N447H, N467H, N471H, N475H.
Identifiers: ClinVar variation 2126471 (VCV002126471.4), dbSNP rs2465829931, ClinGen allele CA346774213.
Genomic context (GRCh38, chr2:50,552,923, plus strand): 5'-TAGGCAAAGAGATGAAAGACTCTGGGGTTTCAAAGGTGATTGGGTCTAAAGTTGCAACAT[T>G]CTCACATTTAAATGCCACCACTCCATGGATCTTCATCTTAGGATCTCCTTGCTTGGCAAG-3'
Protein context (NP_001317007.1, residues 465-485): IHGVVAFKCE[Asn475His]VATLDPITFE